The following is an entry in ClinVar:

NM_016008.4(DYNC2LI1):c.533C>T (p.Pro178Leu)

Gene: DYNC2LI1 (dynein cytoplasmic 2 light intermediate chain 1; plus strand). Cytogenetic location: 2p21.
Variant type: single nucleotide variant.
Coding change: c.533C>T on transcript NM_016008.4 (MANE Select); coding-DNA position 533, C replaced by T.
Protein change: p.Pro178Leu; replaces proline 178 with leucine.
Molecular consequence: missense variant.
Genome position (GRCh38, 1-based): chr2:43,795,915, C>T. VCF-style: chr2-43795915-C-T. GRCh37 (hg19) VCF-style: chr2-44023054-C-T.
Other names: c.536C>T, p.Pro179Leu (NM_001193464.2, NM_001348913.2); c.533C>T, p.Pro178Leu (NM_001348912.2); short protein forms P179L, P178L.
Identifiers: ClinVar variation 771331 (VCV000771331.12), dbSNP rs190404428, ClinGen allele CA1635892.

ClinVar aggregate classification (germline): Benign. Review status: criteria provided, single submitter (1 of 4 stars). 2 submissions from 2 submitters: Benign (1). 1 of the submissions does not count toward it. Last evaluated 2026-01-19.

Conditions:
DYNC2LI1-related disorder. Also called: DYNC2LI1-related condition.

Allele frequency attached by ClinVar (database versions not stated): 1000 Genomes Project 30x 0.00031; TOPMed 0.00077; ExAC 0.00137; 1000 Genomes Project 0.00020; gnomAD 0.00024 and 0.00023; gnomAD exomes 0.00045 and 0.00150.

Submissions (2):

Labcorp Genetics (formerly Invitae), Labcorp
Classification: Benign. Last evaluated: 2026-01-19. Review status: criteria provided, single submitter. Criteria: Invitae Variant Classification Sherloc (09022015). Collection method: clinical testing. Allele origin: germline.

PreventionGenetics, part of Exact Sciences
Classification: Likely benign for DYNC2LI1-related condition. Last evaluated: 2020-04-10. Review status: no assertion criteria provided. Collection method: clinical testing. Allele origin: germline. Not counted in ClinVar's aggregate classification.
Comment: This variant is classified as likely benign based on ACMG/AMP sequence variant interpretation guidelines (Richards et al. 2015 PMID: 25741868, with internal and published modifications).